The following is an entry in ClinVar:

NM_001184.4(ATR):c.6088G>A (p.Ala2030Thr)

Genes: ATR (ATR checkpoint kinase; minus strand), LOC126806830 (BRD4-independent group 4 enhancer GRCh37_chr3:142203676-142204875; plus strand). Cytogenetic location: 3q23.
Variant type: single nucleotide variant.
Coding change: c.6088G>A on transcript NM_001184.4 (MANE Select); coding-DNA position 6088, G replaced by A.
Protein change: p.Ala2030Thr; replaces alanine 2030 with threonine.
Molecular consequence: missense variant.
Genome position (GRCh38, 1-based): chr3:142,485,273, C>T on the plus strand (G>A on the coding strand, the complement: ATR is on the minus strand). VCF-style: chr3-142485273-C-T. GRCh37 (hg19) VCF-style: chr3-142204115-C-T.
Other names: c.5896G>A, p.Ala1966Thr (NM_001354579.2); c.6088G>A (NM_001184.3); short protein forms A2030T, A1966T.
Identifiers: ClinVar variation 1422486 (VCV001422486.7), dbSNP rs201091477, ClinGen allele CA2649411.

ClinVar aggregate classification (germline): Uncertain significance. Review status: criteria provided, multiple submitters, no conflicts (2 of 4 stars). 3 submissions from 3 submitters: Uncertain significance (2). 1 of the submissions does not count toward it. Last evaluated 2024-04-12.

Conditions:
ATR-related disorder. Also called: ATR-related condition.
Seckel syndrome 1 (SCKL1). Also called: MICROCEPHALIC PRIMORDIAL DWARFISM I. Identifiers: Orphanet 808, MedGen C4551474, MONDO:0008869, OMIM 210600.
Familial cutaneous telangiectasia and oropharyngeal predisposition cancer syndrome. Identifiers: Orphanet 313846, MedGen C3281203, MONDO:0013806, OMIM 614564.

Allele frequency attached by ClinVar (database versions not stated): ESP Exome Variant Server 0.00008; gnomAD 0.00013 and 0.00014; 1000 Genomes Project 0.00020; 1000 Genomes Project 30x 0.00031.

Submissions (3):

Fulgent Genetics
Classification: Uncertain significance for Seckel syndrome 1; Familial cutaneous telangiectasia and oropharyngeal predisposition cancer syndrome. Last evaluated: 2024-04-12. Review status: criteria provided, single submitter. Criteria: ACMG Guidelines, 2015. Collection method: clinical testing. Allele origin: germline.

Labcorp Genetics (formerly Invitae), Labcorp
Classification: Uncertain significance. Last evaluated: 2023-09-14. Review status: criteria provided, single submitter. Criteria: Invitae Variant Classification Sherloc (09022015). Collection method: clinical testing. Allele origin: germline.
Comment: In summary, the available evidence is currently insufficient to determine the role of this variant in disease. Therefore, it has been classified as a Variant of Uncertain Significance. An algorithm developed to predict the effect of missense changes on protein structure and function (PolyPhen-2) suggests that this variant¬†is likely to be tolerated. ClinVar contains an entry for this variant (Variation ID: 1422486). This variant has not been reported in the literature in individuals affected with ATR-related conditions. This variant is present in population databases (rs201091477, gnomAD 0.07%). This sequence change replaces alanine, which is neutral and non-polar, with threonine, which is neutral and polar, at codon 2030 of the ATR protein (p.Ala2030Thr).

PreventionGenetics, part of Exact Sciences
Classification: Uncertain significance for ATR-related condition. Last evaluated: 2024-01-03. Review status: no assertion criteria provided. Collection method: clinical testing. Allele origin: germline. Not counted in ClinVar's aggregate classification.
Comment: The ATR c.6088G>A variant is predicted to result in the amino acid substitution p.Ala2030Thr. To our knowledge, this variant has not been reported in the literature. This variant is reported in 0.076% of alleles in individuals of European (Finnish) descent in gnomAD and is interpreted as uncertain in ClinVar. At this time, the clinical significance of this variant is uncertain due to the absence of conclusive functional and genetic evidence.